The following is an entry in ClinVar:

ClinVar aggregate classification (germline): Uncertain significance (1 of 4 stars; one submission).

Conditions:
Emery-Dreifuss muscular dystrophy 4, autosomal dominant (EDMD4). Also called: EMERY-DREIFUSS MUSCULAR DYSTROPHY 4 WITH VARIABLE FEATURES. Identifiers: Orphanet 261, MedGen C2751807, MONDO:0013071, OMIM 612998.
Autosomal recessive ataxia, Beauce type. Also called: Spinocerebellar ataxia, autosomal recessive 8; ATAXIA, RECESSIVE, OF BEAUCE; SYNE1-Related Autosomal Recessive Cerebellar Ataxia; SYNE1 Deficiency. Identifiers: Orphanet 88644, MedGen C1853116, MONDO:0012549, OMIM 610743.

gnomAD v4.1: 4 of 1,614,050 alleles (0.00025%); highest among the groups gnomAD compares: Non-Finnish European, 0.00034%; no homozygotes.

Submission:

Labcorp Genetics (formerly Invitae), Labcorp
Classification: Uncertain significance for Emery-Dreifuss muscular dystrophy 4, autosomal dominant; Autosomal recessive ataxia, Beauce type. Last evaluated: 2025-12-08. Review status: criteria provided, single submitter. Criteria: Invitae Variant Classification Sherloc (09022015). Collection method: clinical testing. Allele origin: germline.
Comment: This sequence change replaces tyrosine, which is neutral and polar, with histidine, which is basic and polar, at codon 2808 of the SYNE1 protein (p.Tyr2808His). This variant is not present in population databases (gnomAD no frequency). This variant has not been reported in the literature in individuals affected with SYNE1-related conditions. ClinVar contains an entry for this variant (Variation ID: 3756038). An algorithm developed to predict the effect of missense changes on protein structure and function (PolyPhen-2) suggests that this variant is likely to be tolerated. In summary, the available evidence is currently insufficient to determine the role of this variant in disease. Therefore, it has been classified as a Variant of Uncertain Significance.

NM_182961.4(SYNE1):c.8401T>C (p.Tyr2801His)

Gene: SYNE1 (spectrin repeat containing nuclear envelope protein 1; minus strand). Cytogenetic location: 6q25.2.
Variant type: single nucleotide variant.
Coding change: c.8401T>C on transcript NM_182961.4 (MANE Select); coding-DNA position 8401, T replaced by C.
Protein change: p.Tyr2801His; replaces tyrosine 2801 with histidine.
Molecular consequence: missense variant.
Genome position (GRCh38, 1-based): chr6:152,387,158, A>G on the plus strand (T>C on the coding strand, the complement: SYNE1 is on the minus strand). VCF-style: chr6-152387158-A-G. GRCh37 (hg19) VCF-style: chr6-152708293-A-G.
Other names: c.8422T>C, p.Tyr2808His (NM_033071.5); short protein forms Y2801H, Y2808H.
Identifiers: ClinVar variation 3756038 (VCV003756038.2).